The following is an entry in ClinVar:

NM_005633.4(SOS1):c.1621T>C (p.Leu541=)

Gene: SOS1 (SOS Ras/Rac guanine nucleotide exchange factor 1; minus strand). Cytogenetic location: 2p22.1.
Variant type: single nucleotide variant.
Coding change: c.1621T>C on transcript NM_005633.4 (MANE Select); coding-DNA position 1621, T replaced by C.
Protein change: p.Leu541=; no amino-acid change (leucine 541 retained).
Molecular consequence: synonymous variant.
Genome position (GRCh38, 1-based): chr2:39,022,807, A>G on the plus strand (T>C on the coding strand, the complement: SOS1 is on the minus strand). VCF-style: chr2-39022807-A-G. GRCh37 (hg19) VCF-style: chr2-39249948-A-G.
Other names: c.1600T>C, p.Leu534= (NM_001382394.1); c.1621T>C, p.Leu541= (NM_001382395.1).
Identifiers: ClinVar variation 509738 (VCV000509738.17), dbSNP rs371286473, ClinGen allele CA1624576.

ClinVar aggregate classification (germline): Benign/Likely benign. Review status: criteria provided, multiple submitters, no conflicts (2 of 4 stars). 7 submissions from 6 submitters: Benign (1); Likely benign (6). Last evaluated 2026-05-09.

Conditions:
SOS1-related disorder. Also called: SOS1-related condition.
Noonan syndrome and Noonan-related syndrome. Identifiers: Orphanet 98733, MedGen C5681679, MONDO:0020297.
Cardiovascular phenotype. Identifiers: MedGen CN230736.
RASopathy. Also called: Noonan spectrum disorder; rasopathies. Identifiers: Orphanet 536391, MedGen C5555857, MONDO:0021060.
Fibromatosis, gingival, 1 (GINGF1). Identifiers: Orphanet 2024, MedGen C4551558, MONDO:0007609, OMIM 135300.
Noonan syndrome 4 (NS4). Also called: SOS1-Related Noonan Syndrome; NOONAN SYNDROME WITH PIGMENTED VILLONODULAR SYNOVITIS. Identifiers: Orphanet 648, MedGen C1853120, MONDO:0012547, OMIM 610733.

Allele frequency attached by ClinVar (database versions not stated): ExAC 0.00002; TOPMed 0.00002; gnomAD 0.00004; gnomAD exomes 0.00004 and 0.00006; ESP Exome Variant Server 0.00008.
gnomAD v4.1: 85 of 1,613,582 alleles (0.0053%); highest among the groups gnomAD compares: Admixed American, 0.0067%; no homozygotes.

Submissions (7):

PreventionGenetics, part of Exact Sciences
Classification: Likely benign for SOS1-related condition. Last evaluated: 2026-05-09. Review status: criteria provided, single submitter. Criteria: ACMG Guidelines, 2015. Collection method: clinical testing. Allele origin: germline.
Comment: This variant is classified as likely benign based on ACMG/AMP sequence variant interpretation guidelines (Richards et al. 2015 PMID: 25741868, with internal and published modifications).

Labcorp Genetics (formerly Invitae), Labcorp
Classification: Likely benign for RASopathy. Last evaluated: 2026-02-01. Review status: criteria provided, single submitter. Criteria: Invitae Variant Classification Sherloc (09022015). Collection method: clinical testing. Allele origin: germline.

Ambry Genetics
Classification: Likely benign for Cardiovascular phenotype. Last evaluated: 2020-01-07. Review status: criteria provided, single submitter. Criteria: Ambry Variant Classification Scheme 2023. Collection method: clinical testing. Allele origin: germline.

Genome Diagnostics Laboratory, The Hospital for Sick Children
Classification: Benign for Noonan syndrome and Noonan-related syndrome. Last evaluated: 2017-11-01. Review status: criteria provided, single submitter. Criteria: ACMG Guidelines, 2015. Collection method: clinical testing. Allele origin: germline.

GeneDx
Classification: Likely benign. Last evaluated: 2017-06-08. Review status: criteria provided, single submitter. Criteria: GeneDx Variant Classification (06012015). Collection method: clinical testing. Allele origin: germline. Affected: yes.
Comment: This variant is considered likely benign or benign based on one or more of the following criteria: it is a conservative change, it occurs at a poorly conserved position in the protein, it is predicted to be benign by multiple in silico algorithms, and/or has population frequency not consistent with disease.

Genome-Nilou Lab
Classification: Likely benign for Noonan syndrome 4. Review status: criteria provided, single submitter. Criteria: ACMG Guidelines, 2015. Collection method: clinical testing. Allele origin: germline.

Genome-Nilou Lab
Classification: Likely benign for Fibromatosis, gingival, 1. Review status: criteria provided, single submitter. Criteria: ACMG Guidelines, 2015. Collection method: clinical testing. Allele origin: germline.